The following is an entry in ClinVar:

NM_003476.5(CSRP3):c.230C>G (p.Ala77Gly)

Gene: CSRP3 (cysteine and glycine rich protein 3; minus strand). Cytogenetic location: 11p15.1.
Variant type: single nucleotide variant.
Coding change: c.230C>G on transcript NM_003476.5 (MANE Select); coding-DNA position 230, C replaced by G.
Protein change: p.Ala77Gly; replaces alanine 77 with glycine.
Molecular consequence: missense variant. On other transcripts: intron variant (1).
Genome position (GRCh38, 1-based): chr11:19,188,187, G>C on the plus strand (C>G on the coding strand, the complement: CSRP3 is on the minus strand). VCF-style: chr11-19188187-G-C. GRCh37 (hg19) VCF-style: chr11-19209734-G-C.
Other names: p.Ala77Gly; c.113-1839C>G (NM_001369404.1); short protein forms A77G.
Identifiers: ClinVar variation 476570 (VCV000476570.15), dbSNP rs772138289, ClinGen allele CA5916615.

ClinVar aggregate classification (germline): Uncertain significance. Review status: criteria provided, multiple submitters, no conflicts (2 of 4 stars). 5 submissions from 5 submitters: Uncertain significance (5). Last evaluated 2025-09-05.

Conditions:
Cardiovascular phenotype. Identifiers: MedGen CN230736.
Hypertrophic cardiomyopathy 12. Identifiers: MedGen C2677491, MONDO:0012804, OMIM 612124.
Dilated cardiomyopathy 1M (CMD1M). Identifiers: Orphanet 154, MedGen C1843808, MONDO:0011840, OMIM 607482.

Allele frequency attached by ClinVar (database versions not stated): ExAC 0.00001; TOPMed 0.00002; gnomAD 0.00003 and 0.00004; gnomAD exomes 0.00002 and 0.00003.
gnomAD v4.1: 50 of 1,613,902 alleles (0.0031%); highest among the groups gnomAD compares: Non-Finnish European, 0.004%; no homozygotes.

Submissions (5):

Labcorp Genetics (formerly Invitae), Labcorp
Classification: Uncertain significance for Hypertrophic cardiomyopathy 12; Dilated cardiomyopathy 1M. Last evaluated: 2025-09-05. Review status: criteria provided, single submitter. Criteria: Invitae Variant Classification Sherloc (09022015). Collection method: clinical testing. Allele origin: germline.
Comment: This sequence change replaces alanine, which is neutral and non-polar, with glycine, which is neutral and non-polar, at codon 77 of the CSRP3 protein (p.Ala77Gly). This variant is present in population databases (rs772138289, gnomAD 0.004%). This variant has not been reported in the literature in individuals affected with CSRP3-related conditions. ClinVar contains an entry for this variant (Variation ID: 476570). An algorithm developed to predict the effect of missense changes on protein structure and function (PolyPhen-2) suggests that this variant is likely to be tolerated. In summary, the available evidence is currently insufficient to determine the role of this variant in disease. Therefore, it has been classified as a Variant of Uncertain Significance.

Mayo Clinic Laboratories, Mayo Clinic
Classification: Uncertain significance. Last evaluated: 2025-01-22. Review status: criteria provided, single submitter. Criteria: ACMG Guidelines, 2015. Collection method: clinical testing. Allele origin: germline. Observed: 1 variant allele.

Ambry Genetics
Classification: Uncertain significance for Cardiovascular phenotype. Last evaluated: 2023-05-04. Review status: criteria provided, single submitter. Criteria: Ambry Variant Classification Scheme 2023. Collection method: clinical testing. Allele origin: germline.
Comment: The p.A77G variant (also known as c.230C>G), located in coding exon 2 of the CSRP3 gene, results from a C to G substitution at nucleotide position 230. The alanine at codon 77 is replaced by glycine, an amino acid with similar properties. This amino acid position is highly conserved in available vertebrate species. In addition, the in silico prediction for this alteration is inconclusive. Since supporting evidence is limited at this time, the clinical significance of this alteration remains unclear.

Women's Health and Genetics/Laboratory Corporation of America, LabCorp
Classification: Uncertain significance. Last evaluated: 2023-02-13. Review status: criteria provided, single submitter. Criteria: LabCorp Variant Classification Summary - May 2015. Collection method: clinical testing. Allele origin: germline.

Agnes Ginges Centre for Molecular Cardiology, Centenary Institute
Classification: Uncertain significance for Hypertrophic cardiomyopathy 12. Last evaluated: 2017-12-12. Review status: criteria provided, single submitter. Criteria: ACMG Guidelines, 2015. Collection method: research. Allele origin: germline. Affected: yes.
Comment: CSRP3 Ala77Gly has not been reported previously and is present at a low frequency in the Exome Aggregation Consortium dataset (MAF: 0.000008), as well as the Genome Aggregation Database (MAF: 0.000018). In silico tools SIFT and MutationTaster predict that the variant is deleterious, however PolyPhen-2 predicts that the variant is "Benign". In summary, there is not enough information to classify the variant as disease-causing or as a polymorphism, therefore we classify CSRP3 Ala77Gly as a variant of 'uncertain significance'.